The following is an entry in ClinVar:

NM_004431.5(EPHA2):c.1896G>A (p.Leu632=)

Gene: EPHA2 (EPH receptor A2; minus strand). Cytogenetic location: 1p36.13.
Variant type: single nucleotide variant.
Coding change: c.1896G>A on transcript NM_004431.5 (MANE Select); coding-DNA position 1896, G replaced by A.
Protein change: p.Leu632=; no amino-acid change (leucine 632 retained).
Molecular consequence: synonymous variant.
Genome position (GRCh38, 1-based): chr1:16,133,337, C>T on the plus strand (G>A on the coding strand, the complement: EPHA2 is on the minus strand). VCF-style: chr1-16133337-C-T. GRCh37 (hg19) VCF-style: chr1-16459832-C-T.
Other names: c.1734G>A, p.Leu578= (NM_001329090.2); c.1896G>A (NM_004431.4).
Identifiers: ClinVar variation 293419 (VCV000293419.41), dbSNP rs55655135, ClinGen allele CA625003.

ClinVar aggregate classification (germline): Benign/Likely benign. Review status: criteria provided, multiple submitters, no conflicts (2 of 4 stars). 6 submissions from 6 submitters: Benign (4); Likely benign (1). 1 of the submissions does not count toward it. Last evaluated 2026-06-01.

Conditions:
EPHA2-related disorder. Also called: EPHA2-related condition.
Cataract 6 multiple types. Also called: CATARACT 6, POSTERIOR POLAR; CATARACT 6, CONGENITAL TOTAL; CATARACT, AGE-RELATED CORTICAL, 2. Identifiers: Orphanet 91492, MedGen C1861825, MONDO:0007288, OMIM 116600.

Allele frequency attached by ClinVar (database versions not stated): 1000 Genomes Project 30x 0.00219; 1000 Genomes Project 0.00240; ExAC 0.00499; gnomAD 0.00529 and 0.00541; gnomAD exomes 0.00561 and 0.00763; TOPMed 0.00589; ESP Exome Variant Server 0.00592.

Submissions (6):

CeGaT Center for Human Genetics Tuebingen
Classification: Likely benign. Last evaluated: 2026-06-01. Review status: criteria provided, single submitter. Criteria: CeGaT Center For Human Genetics Tuebingen Variant Classification Criteria Version 2. Collection method: clinical testing. Allele origin: germline. Affected: yes. Observed: 6 variant alleles.
Comment: EPHA2: BP4, BS2

Labcorp Genetics (formerly Invitae), Labcorp
Classification: Benign for Cataract 6 multiple types. Last evaluated: 2026-01-15. Review status: criteria provided, single submitter. Criteria: Invitae Variant Classification Sherloc (09022015). Collection method: clinical testing. Allele origin: germline.

GeneDx
Classification: Benign. Last evaluated: 2019-08-22. Review status: criteria provided, single submitter. Criteria: GeneDx Variant Classification Process June 2021. Collection method: clinical testing. Allele origin: germline. Affected: yes.

Illumina Laboratory Services, Illumina
Classification: Benign for Cataract 6 multiple types. Last evaluated: 2018-01-12. Review status: criteria provided, single submitter. Criteria: ICSL Variant Classification Criteria 13 December 2019. Collection method: clinical testing. Allele origin: germline.
Comment: This variant was observed in the ICSL laboratory as part of a predisposition screen in an ostensibly healthy population. It had not been previously curated by ICSL or reported in the Human Gene Mutation Database (HGMD: prior to June 1st, 2018), and was therefore a candidate for classification through an automated scoring system. Utilizing variant allele frequency, disease prevalence and penetrance estimates, and inheritance mode, an automated score was calculated to assess if this variant is too frequent to cause the disease. Based on the score and internal cut-off values, a variant classified as benign is not then subjected to further curation. The score for this variant resulted in a classification of benign for this disease.

Breakthrough Genomics
Classification: Benign. Review status: criteria provided, single submitter. Criteria: ACMG Guidelines, 2015. Collection method: not provided. Allele origin: germline. Inheritance: Autosomal dominant inheritance. Affected: yes.

PreventionGenetics, part of Exact Sciences
Classification: Benign for EPHA2-related condition. Last evaluated: 2023-01-30. Review status: no assertion criteria provided. Collection method: clinical testing. Allele origin: germline. Not counted in ClinVar's aggregate classification.
Comment: This variant is classified as benign based on ACMG/AMP sequence variant interpretation guidelines (Richards et al. 2015 PMID: 25741868, with internal and published modifications).